The following is an entry in ClinVar:

ClinVar aggregate classification (germline): Conflicting classifications of pathogenicity. Review status: criteria provided, conflicting classifications (1 of 4 stars). 5 submissions from 5 submitters: Uncertain significance (4); Likely benign (1). Last evaluated 2026-06-30.

Conditions:
TTC21B-related disorder. Also called: TTC21B-related condition; TTC21B-related disorders.
Nephronophthisis. Also called: Juvenile Nephronophthisis. Identifiers: Orphanet 655, MedGen C0687120, MONDO:0019005, HP:0000090.
Jeune thoracic dystrophy. Also called: Jeune syndrome; Infantile thoracic dystrophy; Thoracic pelvic phalangeal dystrophy; Jeune's syndrome; Chondroectodermal dysplasia-like syndrome; Short-rib thoracic dysplasia. Identifiers: Orphanet 474, MedGen C0265275, MONDO:0018770.
Inborn genetic diseases. Identifiers: MedGen C0950123, MeSH D030342.

Allele frequency attached by ClinVar (database versions not stated): ESP Exome Variant Server 0.00015; gnomAD 0.00015.
gnomAD v4.1: 36 of 1,613,710 alleles (0.0022%); highest among the groups gnomAD compares: African/African-American, 0.047%; no homozygotes.

Submissions (5):

PreventionGenetics, part of Exact Sciences
Classification: Uncertain significance for TTC21B-related condition. Last evaluated: 2026-06-30. Review status: criteria provided, single submitter. Criteria: ACMG Guidelines, 2015. Collection method: clinical testing. Allele origin: germline.
Comment: The TTC21B c.205G>T variant is predicted to result in the amino acid substitution p.Val69Leu. To our knowledge, this variant has not been reported in the literature. This variant is reported in 0.044% of alleles in individuals of African descent in gnomAD. At this time, the clinical significance of this variant is uncertain due to the absence of conclusive functional and genetic evidence.

Labcorp Genetics (formerly Invitae), Labcorp
Classification: Likely benign for Jeune thoracic dystrophy; Nephronophthisis. Last evaluated: 2026-01-09. Review status: criteria provided, single submitter. Criteria: Invitae Variant Classification Sherloc (09022015). Collection method: clinical testing. Allele origin: germline.

Mayo Clinic Laboratories, Mayo Clinic
Classification: Uncertain significance. Last evaluated: 2025-09-09. Review status: criteria provided, single submitter. Criteria: ACMG Guidelines, 2015. Collection method: clinical testing. Allele origin: germline. Observed: 1 variant allele.
Comment: BP4_moderate

Ambry Genetics
Classification: Uncertain significance for Inborn genetic diseases. Last evaluated: 2024-06-25. Review status: criteria provided, single submitter. Criteria: Ambry Variant Classification Scheme 2023. Collection method: clinical testing. Allele origin: germline.

Blueprint Genetics
Classification: Uncertain significance. Last evaluated: 2022-12-01. Review status: criteria provided, single submitter. Criteria: ACMG Guidelines, 2015. Collection method: clinical testing. Allele origin: germline.

NM_024753.5(TTC21B):c.205G>T (p.Val69Leu)

Gene: TTC21B (tetratricopeptide repeat domain 21B; minus strand). Cytogenetic location: 2q24.3.
Variant type: single nucleotide variant.
Coding change: c.205G>T on transcript NM_024753.5 (MANE Select); coding-DNA position 205, G replaced by T.
Protein change: p.Val69Leu; replaces valine 69 with leucine.
Molecular consequence: missense variant.
Genome position (GRCh38, 1-based): chr2:165,949,451, C>A on the plus strand (G>T on the coding strand, the complement: TTC21B is on the minus strand). VCF-style: chr2-165949451-C-A. GRCh37 (hg19) VCF-style: chr2-166805961-C-A.
Other names: p.Val69Leu; c.205G>T (NM_024753.3, NM_024753.4); short protein forms V69L.
Identifiers: ClinVar variation 2074699 (VCV002074699.8), dbSNP rs141739444, ClinGen allele CA1942520.
Genomic context (GRCh38, chr2:165,949,451, plus strand): 5'-TACCTGGATTAGGACTCATTTTATGGGCATATATCAGTGCAAGTAGAGAACAAAGTGATA[C>A]ATCTTGTTTATTTTTAATAGCCTCAAATTCTCGAAGAGCTTCTTGAGTTTTACCTGAAAA-3'
Protein context (NP_079029.3, residues 59-79): EFEAIKNKQD[Val69Leu]SLCSLLALIY